The following is an entry in ClinVar:

ClinVar aggregate classification (germline): Uncertain significance (1 of 4 stars; one submission).

Conditions:
Inborn genetic diseases. Identifiers: MedGen C0950123, MeSH D030342.

Submission:

Ambry Genetics
Classification: Uncertain significance for Inborn genetic diseases. Last evaluated: 2025-09-28. Review status: criteria provided, single submitter. Criteria: Ambry Variant Classification Scheme 2023. Collection method: clinical testing. Allele origin: germline.
Comment: The p.G176C variant (also known as c.526G>T), located in coding exon 5 of the PAX5 gene, results from a G to T substitution at nucleotide position 526. The glycine at codon 176 is replaced by cysteine, an amino acid with highly dissimilar properties. This amino acid position is conserved. In addition, this alteration is predicted to be deleterious by in silico analysis. Based on the available evidence, the clinical significance of this variant remains unclear.

NM_016734.3(PAX5):c.526G>T (p.Gly176Cys)

Genes: PAX5 (paired box 5; minus strand), LOC105376032 (uncharacterized LOC105376032; plus strand). Cytogenetic location: 9p13.2.
Variant type: single nucleotide variant.
Coding change: c.526G>T on transcript NM_016734.3 (MANE Select); coding-DNA position 526, G replaced by T.
Protein change: p.Gly176Cys; replaces glycine 176 with cysteine.
Molecular consequence: missense variant. On other transcripts: non-coding transcript variant (4), intron variant (2).
Genome position (GRCh38, 1-based): chr9:37,002,726, C>A on the plus strand (G>T on the coding strand, the complement: PAX5 is on the minus strand). VCF-style: chr9-37002726-C-A. GRCh37 (hg19) VCF-style: chr9-37002723-C-A.
Other names: c.526G>T, p.Gly176Cys (NM_001280547.2, NM_001280548.2, NM_001280549.2 and 2 more transcripts); c.202G>T, p.Gly68Cys (NM_001280551.2, NM_001280556.2); c.328G>T, p.Gly110Cys (NM_001280555.2); c.475+3747G>T (NM_001280553.2, NM_001280554.2); short protein forms G110C, G68C, G176C.
Identifiers: ClinVar variation 4626941 (VCV004626941.1).
Genomic context (GRCh38, chr9:37,002,726, plus strand): 5'-TGTTGGTGTCGGCGCTGGGGGACGTGATGCCCAGGATGCCGCTGATGGAGTACGACGAGC[C>A]GGCCGAATCCGTGCTCACCGAGGACACCTGCGTCACGGAGCCAGTGGACACTGCGCGGAG-3'
Protein context (NP_057953.1, residues 166-186): QVSSVSTDSA[Gly176Cys]SSYSISGILG